The following is an entry in ClinVar:

ClinVar aggregate classification (germline): Uncertain significance. Review status: criteria provided, multiple submitters, no conflicts (2 of 4 stars). 3 submissions from 3 submitters: Uncertain significance (3). Last evaluated 2026-04-04.

Conditions:
Familial thoracic aortic aneurysm and aortic dissection (TAAD). Also called: Thoracic aortic aneurysms and dissections. Identifiers: Orphanet 91387, MedGen C4707243, MONDO:0019625.
FLNA-related disorder.

gnomAD v4.1: 5 of 1,212,011 alleles (0.00041%); highest among the groups gnomAD compares: East Asian, 0.003%; no homozygotes.

Submissions (3):

Ambry Genetics
Classification: Uncertain significance for Familial thoracic aortic aneurysm and aortic dissection. Last evaluated: 2026-04-04. Review status: criteria provided, single submitter. Criteria: Ambry Variant Classification Scheme 2023. Collection method: clinical testing. Allele origin: germline.
Comment: The p.D2114N variant (also known as c.6340G>A), located in coding exon 37 of the FLNA gene, results from a G to A substitution at nucleotide position 6340. The aspartic acid at codon 2114 is replaced by asparagine, an amino acid with highly similar properties. Based on data from gnomAD, the A allele has an overall frequency of <0.01% (1/181466) total alleles studied, with 0 hemizygote(s) observed. The highest observed frequency was <0.01% (1/13545) of East Asian alleles. This amino acid position is conserved. In addition, this alteration is predicted to be tolerated by in silico analysis. Based on the available evidence, the clinical significance of this variant remains unclear.

PreventionGenetics, part of Exact Sciences
Classification: Uncertain significance for FLNA-related condition. Last evaluated: 2026-04-01. Review status: criteria provided, single submitter. Criteria: ACMG Guidelines, 2015. Collection method: clinical testing. Allele origin: germline.
Comment: The FLNA c.6364G>A variant is predicted to result in the amino acid substitution p.Asp2122Asn. To our knowledge, this variant has not been reported in the literature. This variant is reported in 0.0074% of alleles in individuals of East Asian descent in gnomAD. At this time, the clinical significance of this variant is uncertain due to the absence of conclusive functional and genetic evidence.

GeneDx
Classification: Uncertain significance. Last evaluated: 2025-03-12. Review status: criteria provided, single submitter. Criteria: GeneDx Variant Classification Process June 2021. Collection method: clinical testing. Allele origin: germline. Affected: yes.
Comment: In silico analysis supports that this missense variant has a deleterious effect on protein structure/function; Has not been previously published as pathogenic or benign to our knowledge

NM_001110556.2(FLNA):c.6364G>A (p.Asp2122Asn)

Gene: FLNA (filamin A; minus strand). Cytogenetic location: Xq28.
Variant type: single nucleotide variant.
Coding change: c.6364G>A on transcript NM_001110556.2 (MANE Select); coding-DNA position 6364, G replaced by A.
Protein change: p.Asp2122Asn; replaces aspartic acid 2122 with asparagine.
Molecular consequence: missense variant.
Genome position (GRCh38, 1-based): chrX:154,352,787, C>T on the plus strand (G>A on the coding strand, the complement: FLNA is on the minus strand). VCF-style: chrX-154352787-C-T. GRCh37 (hg19) VCF-style: chrX-153581155-C-T.
Other names: c.6340G>A, p.Asp2114Asn (NM_001456.4); c.6364G>A (NM_001110556.1); short protein forms D2114N, D2122N.
Identifiers: ClinVar variation 4082898 (VCV004082898.3).